The following is an entry in ClinVar:

NM_000558.5(HBA1):c.326C>T (p.Thr109Ile)

Genes: HBA1 (hemoglobin subunit alpha 1; plus strand), LOC106804613 (hemoglobin subunit alpha 1 recombination region; plus strand). Cytogenetic location: 16p13.3.
Variant type: single nucleotide variant.
Coding change: c.326C>T on transcript NM_000558.5 (MANE Select); coding-DNA position 326, C replaced by T.
Protein change: p.Thr109Ile; replaces threonine 109 with isoleucine.
Molecular consequence: missense variant.
Genome position (GRCh38, 1-based): chr16:177,308, C>T. VCF-style: chr16-177308-C-T. GRCh37 (hg19) VCF-style: chr16-227307-C-T.
Other names: short protein forms T109I.
Identifiers: ClinVar variation 2920937 (VCV002920937.1), dbSNP rs756810015, ClinGen allele CA393995828.

ClinVar aggregate classification (germline): Uncertain significance (1 of 4 stars; one submission).

Submission:

ARUP Laboratories, Molecular Genetics and Genomics, ARUP Laboratories
Classification: Uncertain significance. Last evaluated: 2023-06-05. Review status: criteria provided, single submitter. Criteria: ARUP Molecular Germline Variant Investigation Process 2024. Collection method: clinical testing. Allele origin: germline.
Comment: The HBA1: c.326C>T; p.Thr109Ile variant, also known as Thr108Ile when numbered from the mature protein, rs756810015) to our knowledge, is not reported in the medical literature or gene specific databases. This variant is also absent from the Genome Aggregation Database, indicating it is not a common polymorphism. Additionally, another variant at this codon (c.326C>A; p.Thr109Asn) has been reported in individuals with mild microcytosis, mild anisocytosis, and mild hypochromia and is considered likely pathogenic (See HbVar ID: 3020 and references therein). Computational analyses predict that this variant is deleterious (REVEL: 0.773). However, given the lack of clinical and functional data, the significance of this variant is uncertain at this time. References: Link to HbVar database